The following is an entry in ClinVar:

NM_000350.3(ABCA4):c.5019-1G>T

Gene: ABCA4 (ATP binding cassette subfamily A member 4; minus strand). Cytogenetic location: 1p22.1.
Variant type: single nucleotide variant.
Coding change: c.5019-1G>T on transcript NM_000350.3 (MANE Select); the canonical splice acceptor site of the intron before coding-DNA position 5019, G replaced by T.
Molecular consequence: splice acceptor variant.
Genome position (GRCh38, 1-based): chr1:94,019,760, C>A on the plus strand (G>T on the coding strand, the complement: ABCA4 is on the minus strand). VCF-style: chr1-94019760-C-A. GRCh37 (hg19) VCF-style: chr1-94485316-C-A.
Other names: c.4797-1G>T (NM_001425324.1).
Identifiers: ClinVar variation 3630611 (VCV003630611.2).

ClinVar aggregate classification (germline): Pathogenic (1 of 4 stars; one submission).

Submission:

Labcorp Genetics (formerly Invitae), Labcorp
Classification: Pathogenic. Last evaluated: 2024-11-30. Review status: criteria provided, single submitter. Criteria: Invitae Variant Classification Sherloc (09022015). Collection method: clinical testing. Allele origin: germline.
Comment: This sequence change affects an acceptor splice site in intron 35 of the ABCA4 gene. It is expected to disrupt RNA splicing. Variants that disrupt the donor or acceptor splice site typically lead to a loss of protein function (PMID: 16199547), and loss-of-function variants in ABCA4 are known to be pathogenic (PMID: 10958761, 24938718, 25312043, 26780318). This variant is not present in population databases (gnomAD no frequency). Disruption of this splice site has been observed in individual(s) with Stargardt disease (PMID: 33301772). Algorithms developed to predict the effect of sequence changes on RNA splicing suggest that this variant may disrupt the consensus splice site. For these reasons, this variant has been classified as Pathogenic.

Literature cited by the submitters: PubMed 16199547; PubMed 10958761; PubMed 24938718; PubMed 25312043; PubMed 26780318; PubMed 33301772.